The following is an entry in ClinVar:

NM_000143.4(FH):c.1415C>T (p.Ala472Val)

Gene: FH (fumarate hydratase; minus strand). Cytogenetic location: 1q43.
Variant type: single nucleotide variant.
Coding change: c.1415C>T on transcript NM_000143.4 (MANE Select); coding-DNA position 1415, C replaced by T.
Protein change: p.Ala472Val; replaces alanine 472 with valine.
Molecular consequence: missense variant.
Genome position (GRCh38, 1-based): chr1:241,497,946, G>A on the plus strand (C>T on the coding strand, the complement: FH is on the minus strand). VCF-style: chr1-241497946-G-A. GRCh37 (hg19) VCF-style: chr1-241661246-G-A.
Other names: short protein forms A472V.
Identifiers: ClinVar variation 662328 (VCV000662328.23), dbSNP rs765643179, ClinGen allele CA40371759.

ClinVar aggregate classification (germline): Uncertain significance. Review status: criteria provided, multiple submitters, no conflicts (2 of 4 stars). 6 submissions from 6 submitters: Uncertain significance (5). 1 of the submissions does not count toward it. Last evaluated 2025-12-29.

Conditions:
Fumarase deficiency (FMRD). Also called: Fumaric aciduria; Fumarate Hydratase Deficiency. Identifiers: Orphanet 24, MedGen C0342770, MONDO:0011730, OMIM 606812.
Hereditary cancer-predisposing syndrome. Also called: Neoplastic Syndromes, Hereditary; Hereditary neoplastic syndrome; Tumor predisposition; Hereditary Cancer Syndrome. Identifiers: Orphanet 140162, MedGen C0027672, MeSH D009386, MONDO:0015356.

Allele frequency attached by ClinVar (database versions not stated): gnomAD exomes below 0.00001; TOPMed 0.00001.

Submissions (6):

Center for Genomic Medicine, Rigshospitalet, Copenhagen University Hospital
Classification: Uncertain significance. Last evaluated: 2025-12-29. Review status: criteria provided, single submitter. Criteria: ACMG Guidelines, 2015. Collection method: clinical testing. Allele origin: germline.

Labcorp Genetics (formerly Invitae), Labcorp
Classification: Uncertain significance. Last evaluated: 2025-10-27. Review status: criteria provided, single submitter. Criteria: Invitae Variant Classification Sherloc (09022015). Collection method: clinical testing. Allele origin: germline.
Comment: This sequence change replaces alanine, which is neutral and non-polar, with valine, which is neutral and non-polar, at codon 472 of the FH protein (p.Ala472Val). This variant is present in population databases (rs765643179, gnomAD 0.0009%). This variant has not been reported in the literature in individuals affected with FH-related conditions. ClinVar contains an entry for this variant (Variation ID: 662328). Invitae Evidence Modeling of protein sequence and biophysical properties (such as structural, functional, and spatial information, amino acid conservation, physicochemical variation, residue mobility, and thermodynamic stability) indicates that this missense variant is expected to disrupt FH protein function with a positive predictive value of 95%. In summary, the available evidence is currently insufficient to determine the role of this variant in disease. Therefore, it has been classified as a Variant of Uncertain Significance.

Ambry Genetics
Classification: Uncertain significance for Hereditary cancer-predisposing syndrome. Last evaluated: 2025-08-07. Review status: criteria provided, single submitter. Criteria: Ambry Variant Classification Scheme 2023. Collection method: clinical testing. Allele origin: germline.
Comment: The p.A472V variant (also known as c.1415C>T), located in coding exon 10 of the FH gene, results from a C to T substitution at nucleotide position 1415. The alanine at codon 472 is replaced by valine, an amino acid with similar properties. This amino acid position is highly conserved in available vertebrate species. In addition, this alteration is predicted to be deleterious by in silico analysis. This variant has been identified in multiple individuals with no reported features of FH-associated leiomyomatosis and renal cell cancer (Ambry internal data). Based on the available evidence, the clinical significance of this variant remains unclear.

GeneDx
Classification: Uncertain significance. Last evaluated: 2024-06-06. Review status: criteria provided, single submitter. Criteria: GeneDx Variant Classification Process June 2021. Collection method: clinical testing. Allele origin: germline. Affected: yes.
Comment: Not observed at significant frequency in large population cohorts (gnomAD); In silico analysis supports that this missense variant has a deleterious effect on protein structure/function; Has not been previously published as pathogenic or benign to our knowledge

Baylor Genetics
Classification: Uncertain significance for Fumarase deficiency. Last evaluated: 2024-02-04. Review status: criteria provided, single submitter. Criteria: ACMG Guidelines, 2015. Collection method: clinical testing. Allele origin: unknown.

Natera, Inc.
Classification: Uncertain significance for Fumarase Deficiency. Last evaluated: 2020-02-21. Review status: no assertion criteria provided. Collection method: clinical testing. Allele origin: germline. Not counted in ClinVar's aggregate classification.